The following is an entry in ClinVar:

ClinVar aggregate classification (germline): Pathogenic/Likely pathogenic. Review status: criteria provided, multiple submitters, no conflicts (2 of 4 stars). 3 submissions from 3 submitters: Pathogenic (2); Likely pathogenic (1). Last evaluated 2025-10-02.

Conditions:
Autosomal dominant nonsyndromic hearing loss 28. Identifiers: Orphanet 90635, MedGen C1837640, MONDO:0012083, OMIM 608641.

Allele frequency attached by ClinVar (database versions not stated): gnomAD exomes below 0.00001.
gnomAD v4.1: 1 of 1,613,976 alleles (0.000062%); highest among the groups gnomAD compares: Non-Finnish European, 0.000085%; no homozygotes.

Submissions (3):

GeneDx
Classification: Pathogenic. Last evaluated: 2025-10-02. Review status: criteria provided, single submitter. Criteria: GeneDx Variant Classification Process June 2021. Collection method: clinical testing. Allele origin: germline. Affected: yes.
Comment: Reported in a patient in published literature (PMID: 33726816); however, clinical information is limited; Nonsense variant predicted to result in protein truncation or nonsense mediated decay in a gene for which loss of function is a known mechanism of disease; Not observed at significant frequency in large population cohorts (gnomAD); This variant is associated with the following publications: (PMID: 33726816)

Precision Medicine Center, Zhengzhou University
Classification: Pathogenic for Autosomal dominant nonsyndromic hearing loss 28. Last evaluated: 2006-06-30. Review status: criteria provided, single submitter. Criteria: ClinGen HL ACMG Specifications v1. Collection method: clinical testing. Allele origin: paternal. Affected: yes.
Comment: PVS1+PM2:The GRHL2 c.223C>T variant is a nonsense variant predicted to result in a premature termination codon and loss of normal protein function via nonsense-mediated decay (PVS1). The variant is absent or extremely rare in population databases (PM2). Haploinsufficiency is an established disease mechanism for GRHL2-related hearing loss. According to the ACMG/AMP guidelines, this variant is classified as Likely Pathogenic.

Clinical Genetics Service, Universitary Hospital 12 de Octubre
Classification: Likely pathogenic for Autosomal dominant nonsyndromic hearing loss 28. Review status: criteria provided, single submitter. Criteria: ACMG Guidelines, 2015. Collection method: clinical testing. Allele origin: germline. Affected: yes.

NM_024915.4(GRHL2):c.223C>T (p.Arg75Ter)

Gene: GRHL2 (grainyhead like transcription factor 2; plus strand). Cytogenetic location: 8q22.3.
Variant type: single nucleotide variant.
Coding change: c.223C>T on transcript NM_024915.4 (MANE Select); coding-DNA position 223, C replaced by T.
Protein change: p.Arg75Ter; replaces arginine 75 with a stop codon.
Molecular consequence: nonsense.
Genome position (GRCh38, 1-based): chr8:101,552,721, C>T. VCF-style: chr8-101552721-C-T. GRCh37 (hg19) VCF-style: chr8-102564949-C-T.
Other names: c.175C>T, p.Arg59Ter (NM_001330593.2); short protein forms R59*, R75*.
Identifiers: ClinVar variation 1710810 (VCV001710810.5), dbSNP rs2536814870, ClinGen allele CA371643479.